The following is an entry in ClinVar:

NM_006379.5(SEMA3C):c.1938A>G (p.Thr646=)

Gene: SEMA3C (semaphorin 3C; minus strand). Cytogenetic location: 7q21.11.
Variant type: single nucleotide variant.
Coding change: c.1938A>G on transcript NM_006379.5 (MANE Select); coding-DNA position 1938, A replaced by G.
Protein change: p.Thr646=; no amino-acid change (threonine 646 retained).
Molecular consequence: synonymous variant.
Genome position (GRCh38, 1-based): chr7:80,745,212, T>C on the plus strand (A>G on the coding strand, the complement: SEMA3C is on the minus strand). VCF-style: chr7-80745212-T-C. GRCh37 (hg19) VCF-style: chr7-80374528-T-C.
Other names: c.1992A>G, p.Thr664= (NM_001350120.2); c.1764A>G, p.Thr588= (NM_001350121.2); c.1992A>G (NM_001350120.1).
Identifiers: ClinVar variation 792861 (VCV000792861.5), dbSNP rs147454288, ClinGen allele CA4315940.

ClinVar aggregate classification (germline): Likely benign. Review status: criteria provided, single submitter (1 of 4 stars). 2 submissions from 2 submitters: Likely benign (1). 1 of the submissions does not count toward it. Last evaluated 2018-10-17.

Conditions:
SEMA3C-related disorder. Also called: SEMA3C-related condition.

Allele frequency attached by ClinVar (database versions not stated): gnomAD 0.00006 and 0.00008; gnomAD exomes 0.00007 and 0.00012; TOPMed 0.00008; ExAC 0.00014; ESP Exome Variant Server 0.00015.
gnomAD v4.1: 131 of 1,614,064 alleles (0.0081%); highest among the groups gnomAD compares: Middle Eastern, 0.033%; 1 homozygote.

Submissions (2):

Labcorp Genetics (formerly Invitae), Labcorp
Classification: Likely benign. Last evaluated: 2018-10-17. Review status: criteria provided, single submitter. Criteria: Invitae Variant Classification Sherloc (09022015). Collection method: clinical testing. Allele origin: germline.

PreventionGenetics, part of Exact Sciences
Classification: Likely benign for SEMA3C-related condition. Last evaluated: 2021-08-19. Review status: no assertion criteria provided. Collection method: clinical testing. Allele origin: germline. Not counted in ClinVar's aggregate classification.
Comment: This variant is classified as likely benign based on ACMG/AMP sequence variant interpretation guidelines (Richards et al. 2015 PMID: 25741868, with internal and published modifications).